The following is an entry in ClinVar:

NM_032578.4(MYPN):c.548G>A (p.Ser183Asn)

Gene: MYPN (myopalladin; plus strand). Cytogenetic location: 10q21.3.
Variant type: single nucleotide variant.
Coding change: c.548G>A on transcript NM_032578.4 (MANE Select); coding-DNA position 548, G replaced by A.
Protein change: p.Ser183Asn; replaces serine 183 with asparagine.
Molecular consequence: missense variant. On other transcripts: 5 prime UTR variant (1), non-coding transcript variant (1).
Genome position (GRCh38, 1-based): chr10:68,121,986, G>A. VCF-style: chr10-68121986-G-A. GRCh37 (hg19) VCF-style: chr10-69881743-G-A.
Other names: c.548G>A, p.Ser183Asn (NM_001256267.2); c.-575G>A (NM_001256268.2); short protein forms S183N.
Identifiers: ClinVar variation 2099199 (VCV002099199.4), dbSNP rs766163084, ClinGen allele CA5522288.
Genomic context (GRCh38, chr10:68,121,986, plus strand): 5'-CCCTTTTCAAATCCCACAGCTCCAAAAGGATTAGACCTCGTGCCTGCAAAAACCACAAGA[G>A]TAAACTGGAATCTCAAAACAAAGTTATGCAGGAAAACAGCTCCAGTTTCTCAGATCTGTC-3'
Protein context (NP_115967.2, residues 173-193): IRPRACKNHK[Ser183Asn]KLESQNKVMQ

ClinVar aggregate classification (germline): Uncertain significance (1 of 4 stars; one submission).

Conditions:
Dilated cardiomyopathy 1KK (CMD1KK). Identifiers: Orphanet 154, Orphanet 75249, MedGen C3714995, MONDO:0014100, OMIM 615248.

Allele frequency attached by ClinVar (database versions not stated): ExAC 0.00001.

Submission:

Labcorp Genetics (formerly Invitae), Labcorp
Classification: Uncertain significance for Dilated cardiomyopathy 1KK. Last evaluated: 2022-02-19. Review status: criteria provided, single submitter. Criteria: Invitae Variant Classification Sherloc (09022015). Collection method: clinical testing. Allele origin: germline.
Comment: This sequence change replaces serine, which is neutral and polar, with asparagine, which is neutral and polar, at codon 183 of the MYPN protein (p.Ser183Asn). This variant is present in population databases (rs766163084, gnomAD 0.0009%). This variant has not been reported in the literature in individuals affected with MYPN-related conditions. Algorithms developed to predict the effect of missense changes on protein structure and function output the following: SIFT: "Tolerated"; PolyPhen-2: "Benign"; Align-GVGD: "Class C0". The asparagine amino acid residue is found in multiple mammalian species, which suggests that this missense change does not adversely affect protein function. In summary, the available evidence is currently insufficient to determine the role of this variant in disease. Therefore, it has been classified as a Variant of Uncertain Significance.